The following is an entry in ClinVar:

NM_001369.3(DNAH5):c.1125_1134del (p.Asn375fs)

Gene: DNAH5 (dynein axonemal heavy chain 5; minus strand). Cytogenetic location: 5p15.2.
Variant type: Deletion.
Coding change: c.1125_1134del on transcript NM_001369.3 (MANE Select); coding-DNA positions 1125 to 1134, 10 bases deleted (TGCAATTAAA; older notation c.1125_1134delTGCAATTAAA).
Protein change: p.Asn375fs; shifts the reading frame from asparagine 375.
Molecular consequence: frameshift variant.
Genome position (GRCh38, 1-based): chr5:13,916,411-13,916,420, TTTAATTGCA deleted on the plus strand (TGCAATTAAA on the coding strand, the reverse complement: DNAH5 is on the minus strand); deleting any 10 consecutive bases within chr5:13,916,411-13,916,424 gives the same sequence; the c. name uses the placement nearest the transcript's 3' end. VCF-style (leftmost placement, unchanged base first): chr5-13916410-TTTTAATTGCA-T. GRCh37 (hg19) VCF-style: chr5-13916519-TTTTAATTGCA-T.
Other names: short protein forms N375fs.
Identifiers: ClinVar variation 5013680 (VCV005013680.1).

ClinVar aggregate classification (germline): Pathogenic (1 of 4 stars; one submission).

Conditions:
Primary ciliary dyskinesia 3. Identifiers: Orphanet 244, MedGen C1837618, MONDO:0012085, OMIM 608644.

Submission:

Myriad Genetics, Inc.
Classification: Pathogenic for Primary ciliary dyskinesia 3. Last evaluated: 2024-10-27. Review status: criteria provided, single submitter. Criteria: Myriad Autosomal Dominant, Autosomal Recessive and X-Linked Classification Criteria (2023). Collection method: clinical testing. Allele origin: unknown.
Comment: NM_001369.2(DNAH5):c.1125_1134del10(N375Kfs*2) is expected to be pathogenic in the context of primary ciliary dyskinesia, DNAH5-related. This variant is predicted to lead to an abnormal or absent protein product due to the creation of a premature termination codon in DNAH5, a gene where loss-of-function variants are known to be pathogenic. Please note: this variant was assessed in the context of healthy population screening.